The following is an entry in ClinVar:

ClinVar aggregate classification (germline): Uncertain significance. Review status: criteria provided, multiple submitters, no conflicts (2 of 4 stars). 2 submissions from 2 submitters: Uncertain significance (2). Last evaluated 2022-11-08.

Conditions:
Autosomal recessive limb-girdle muscular dystrophy type 2A (LGMDR1). Also called: Limb-girdle muscular dystrophy, type 2A; Calpainopathy; LEYDEN-MOEBIUS MUSCULAR DYSTROPHY; MUSCULAR DYSTROPHY, PELVOFEMORAL; Muscular dystrophy, limb-girdle, type 2A, Amish. Identifiers: Orphanet 267, MedGen C1869123, MONDO:0009675, OMIM 253600. Disease mechanism: loss of function.

Allele frequency attached by ClinVar (database versions not stated): gnomAD exomes below 0.00001 and 0.00001; ExAC 0.00001.
gnomAD v4.1: 2 of 1,612,972 alleles (0.00012%); highest among the groups gnomAD compares: Admixed American, 0.0033%; no homozygotes.

Submissions (2):

Labcorp Genetics (formerly Invitae), Labcorp
Classification: Uncertain significance for Autosomal recessive limb-girdle muscular dystrophy type 2A. Last evaluated: 2022-11-08. Review status: criteria provided, single submitter. Criteria: Invitae Variant Classification Sherloc (09022015). Collection method: clinical testing. Allele origin: germline.
Comment: In summary, the available evidence is currently insufficient to determine the role of this variant in disease. Therefore, it has been classified as a Variant of Uncertain Significance. Advanced modeling of protein sequence and biophysical properties (such as structural, functional, and spatial information, amino acid conservation, physicochemical variation, residue mobility, and thermodynamic stability) performed at Invitae indicates that this missense variant is expected to disrupt CAPN3 protein function. ClinVar contains an entry for this variant (Variation ID: 1022637). This variant has not been reported in the literature in individuals affected with CAPN3-related conditions. This variant is present in population databases (rs771068557, gnomAD 0.006%). This sequence change replaces tyrosine, which is neutral and polar, with cysteine, which is neutral and slightly polar, at codon 507 of the CAPN3 protein (p.Tyr507Cys).

Kariminejad - Najmabadi Pathology & Genetics Center
Classification: Uncertain significance for Autosomal recessive limb-girdle muscular dystrophy type 2A. Last evaluated: 2019-02-14. Review status: criteria provided, single submitter. Criteria: ACMG Guidelines, 2015. Collection method: clinical testing. Allele origin: germline. Inheritance: Autosomal recessive inheritance. Affected: yes.
Comment: PM1,PM2,PP3

NM_000070.3(CAPN3):c.1520A>G (p.Tyr507Cys)

Gene: CAPN3 (calpain 3; plus strand). Cytogenetic location: 15q15.1.
Variant type: single nucleotide variant.
Coding change: c.1520A>G on transcript NM_000070.3 (MANE Select); coding-DNA position 1520, A replaced by G.
Protein change: p.Tyr507Cys; replaces tyrosine 507 with cysteine.
Molecular consequence: missense variant.
Genome position (GRCh38, 1-based): chr15:42,401,806, A>G. VCF-style: chr15-42401806-A-G. GRCh37 (hg19) VCF-style: chr15-42694004-A-G.
Other names: c.1520A>G, p.Tyr507Cys (NM_024344.2); c.1376A>G, p.Tyr459Cys (NM_173087.2); short protein forms Y459C, Y507C.
Identifiers: ClinVar variation 1022637 (VCV001022637.10), dbSNP rs771068557, ClinGen allele CA7511380.